The following is an entry in ClinVar:

NM_182972.3(IRF2BP2):c.10G>C (p.Ala4Pro)

Gene: IRF2BP2 (interferon regulatory factor 2 binding protein 2; minus strand). Cytogenetic location: 1q42.3.
Variant type: single nucleotide variant.
Coding change: c.10G>C on transcript NM_182972.3 (MANE Select); coding-DNA position 10, G replaced by C.
Protein change: p.Ala4Pro; replaces alanine 4 with proline.
Molecular consequence: missense variant.
Genome position (GRCh38, 1-based): chr1:234,609,485, C>G on the plus strand (G>C on the coding strand, the complement: IRF2BP2 is on the minus strand). VCF-style: chr1-234609485-C-G. GRCh37 (hg19) VCF-style: chr1-234745231-C-G.
Other names: c.10G>C, p.Ala4Pro (NM_001077397.1); short protein forms A4P.
Identifiers: ClinVar variation 4770521 (VCV004770521.1).
Genomic context (GRCh38, chr1:234,609,485, plus strand): 5'-TGCGGGGCAGGTCACACAGGTAGCACGACTGCCGCCGGGACGCGGCCGCCACCGCCACCG[C>G]CGCGGCCATGTCCGAGGAGCCCGCGACGCCGGAGGAGGAGGCGGAGGAGGAGGAGGGGGC-3'
Protein context (NP_892017.2, residues 1-14): MAA[Ala4Pro]VAVAAASRRQ

ClinVar aggregate classification (germline): Uncertain significance (1 of 4 stars; one submission).

gnomAD v4.1: 7 of 1,500,282 alleles (0.00047%); highest among the groups gnomAD compares: Non-Finnish European, 0.00053%; no homozygotes.

Submission:

Labcorp Genetics (formerly Invitae), Labcorp
Classification: Uncertain significance. Last evaluated: 2025-12-05. Review status: criteria provided, single submitter. Criteria: Invitae Variant Classification Sherloc (09022015). Collection method: clinical testing. Allele origin: germline.
Comment: This sequence change replaces alanine, which is neutral and non-polar, with proline, which is neutral and non-polar, at codon 4 of the IRF2BP2 protein (p.Ala4Pro). This variant is not present in population databases (gnomAD no frequency). This variant has not been reported in the literature in individuals affected with IRF2BP2-related conditions. Experimental studies and prediction algorithms are not available or were not evaluated, and the functional significance of this variant is currently unknown. In summary, the available evidence is currently insufficient to determine the role of this variant in disease. Therefore, it has been classified as a Variant of Uncertain Significance.